The following is an entry in ClinVar:

NM_004168.4(SDHA):c.313-17G>C

Gene: SDHA (succinate dehydrogenase complex flavoprotein subunit A; plus strand). Cytogenetic location: 5p15.33.
Variant type: single nucleotide variant.
Coding change: c.313-17G>C on transcript NM_004168.4 (MANE Select); 17 bases into the intron before coding-DNA position 313, G replaced by C.
Molecular consequence: intron variant.
Genome position (GRCh38, 1-based): chr5:225,402, G>C. VCF-style: chr5-225402-G-C. GRCh37 (hg19) VCF-style: chr5-225517-G-C.
Other names: c.313-17G>C (NM_001330758.2); c.313-481G>C (NM_001294332.2).
Identifiers: ClinVar variation 3904427 (VCV003904427.2).

ClinVar aggregate classification (germline): Likely benign. Review status: criteria provided, multiple submitters, no conflicts (2 of 4 stars). 2 submissions from 2 submitters: Likely benign (2). Last evaluated 2025-03-11.

Conditions:
Pheochromocytoma/paraganglioma syndrome 5. Also called: Paragangliomas 5; SDHA-Related Hereditary Paraganglioma-Pheochromocytoma Syndrome. Identifiers: Orphanet 29072, MedGen C3279992, MONDO:0013602, OMIM 614165.
Mitochondrial complex II deficiency, nuclear type 1. Also called: SUCCINATE CoQ REDUCTASE DEFICIENCY. Identifiers: Orphanet 3208, MedGen C5700310, MONDO:0100294, OMIM 252011.

Submissions (2):

Labcorp Genetics (formerly Invitae), Labcorp
Classification: Likely benign for Pheochromocytoma/paraganglioma syndrome 5; Mitochondrial complex II deficiency, nuclear type 1. Last evaluated: 2025-03-11. Review status: criteria provided, single submitter. Criteria: Invitae Variant Classification Sherloc (09022015). Collection method: clinical testing. Allele origin: germline.

Myriad Genetics, Inc.
Classification: Likely benign for Pheochromocytoma/paraganglioma syndrome 5. Last evaluated: 2025-02-28. Review status: criteria provided, single submitter. Criteria: Myriad Autosomal Dominant, Autosomal Recessive and X-Linked Classification Criteria (2023). Collection method: clinical testing. Allele origin: unknown.
Comment: This variant is considered likely benign. This variant is intronic and is not expected to impact mRNA splicing.